The following is an entry in ClinVar:

NM_176869.3(PPA2):c.148C>T (p.Leu50Phe)

Gene: PPA2 (inorganic pyrophosphatase 2; minus strand). Cytogenetic location: 4q24.
Variant type: single nucleotide variant.
Coding change: c.148C>T on transcript NM_176869.3 (MANE Select); coding-DNA position 148, C replaced by T.
Protein change: p.Leu50Phe; replaces leucine 50 with phenylalanine.
Molecular consequence: missense variant.
Genome position (GRCh38, 1-based): chr4:105,473,903, G>A on the plus strand (C>T on the coding strand, the complement: PPA2 is on the minus strand). VCF-style: chr4-105473903-G-A. GRCh37 (hg19) VCF-style: chr4-106395060-G-A.
Other names: c.148C>T, p.Leu50Phe (NM_006903.4, NM_176866.2, NM_176867.3); short protein forms L50F.
Identifiers: ClinVar variation 1512609 (VCV001512609.8), dbSNP rs1723648090, ClinGen allele CA357967871.

ClinVar aggregate classification (germline): Uncertain significance (1 of 4 stars; one submission).

Submission:

Labcorp Genetics (formerly Invitae), Labcorp
Classification: Uncertain significance. Last evaluated: 2021-02-21. Review status: criteria provided, single submitter. Criteria: Invitae Variant Classification Sherloc (09022015). Collection method: clinical testing. Allele origin: germline.
Comment: This sequence change replaces leucine with phenylalanine at codon 50 of the PPA2 protein (p.Leu50Phe). The leucine residue is moderately conserved and there is a small physicochemical difference between leucine and phenylalanine. In summary, the available evidence is currently insufficient to determine the role of this variant in disease. Therefore, it has been classified as a Variant of Uncertain Significance. Algorithms developed to predict the effect of missense changes on protein structure and function (SIFT, PolyPhen-2, Align-GVGD) all suggest that this variant is likely to be tolerated, but these predictions have not been confirmed by published functional studies and their clinical significance is uncertain. This variant has not been reported in the literature in individuals with PPA2-related conditions. This variant is not present in population databases (ExAC no frequency).